The following is an entry in ClinVar:

NM_173500.4(TTBK2):c.296G>A (p.Arg99Gln)

Gene: TTBK2 (tau tubulin kinase 2; minus strand). Cytogenetic location: 15q15.2.
Variant type: single nucleotide variant.
Coding change: c.296G>A on transcript NM_173500.4 (MANE Select); coding-DNA position 296, G replaced by A.
Protein change: p.Arg99Gln; replaces arginine 99 with glutamine.
Molecular consequence: missense variant.
Genome position (GRCh38, 1-based): chr15:42,830,074, C>T on the plus strand (G>A on the coding strand, the complement: TTBK2 is on the minus strand). VCF-style: chr15-42830074-C-T. GRCh37 (hg19) VCF-style: chr15-43122272-C-T.
Other names: short protein forms R99Q.
Identifiers: ClinVar variation 1940211 (VCV001940211.6), dbSNP rs201615263, ClinGen allele CA7517508.

ClinVar aggregate classification (germline): Uncertain significance. Review status: criteria provided, multiple submitters, no conflicts (2 of 4 stars). 2 submissions from 2 submitters: Uncertain significance (2). Last evaluated 2025-08-25.

Allele frequency attached by ClinVar (database versions not stated): ExAC 0.00001; TOPMed 0.00002; gnomAD 0.00003; gnomAD exomes 0.00005; 1000 Genomes Project 30x 0.00016; 1000 Genomes Project 0.00020.
gnomAD v4.1: 71 of 1,614,008 alleles (0.0044%); highest among the groups gnomAD compares: Non-Finnish European, 0.0057%; no homozygotes.

Submissions (2):

Athena Diagnostics
Classification: Uncertain significance. Last evaluated: 2025-08-25. Review status: criteria provided, single submitter. Criteria: Athena Diagnostics Criteria. Collection method: clinical testing. Allele origin: unknown.
Comment: Available data are insufficient to determine the clinical significance of the variant at this time. The frequency of this variant in the general population is higher than would generally be expected for pathogenic variants in this gene. Polyphen and MutationTaster yielded discordant predictions regarding whether this amino acid change is damaging to the protein.

Labcorp Genetics (formerly Invitae), Labcorp
Classification: Uncertain significance. Last evaluated: 2022-08-10. Review status: criteria provided, single submitter. Criteria: Invitae Variant Classification Sherloc (09022015). Collection method: clinical testing. Allele origin: germline.
Comment: This variant has not been reported in the literature in individuals affected with TTBK2-related conditions. This sequence change replaces arginine, which is basic and polar, with glutamine, which is neutral and polar, at codon 99 of the TTBK2 protein (p.Arg99Gln). This variant is present in population databases (rs201615263, gnomAD 0.005%). Algorithms developed to predict the effect of missense changes on protein structure and function are either unavailable or do not agree on the potential impact of this missense change (SIFT: "Deleterious"; PolyPhen-2: "Probably Damaging"; Align-GVGD: "Class C0"). In summary, the available evidence is currently insufficient to determine the role of this variant in disease. Therefore, it has been classified as a Variant of Uncertain Significance.